The following is an entry in ClinVar:

NM_005359.5:c.159_160insL1

Gene: SMAD4 (SMAD family member 4; plus strand).
Variant type: Insertion.
Identifiers: ClinVar variation 4170036 (VCV004170036.1).

ClinVar aggregate classification (germline): Likely pathogenic (1 of 4 stars; one submission).

Conditions:
Familial thoracic aortic aneurysm and aortic dissection (TAAD). Also called: Thoracic aortic aneurysms and dissections. Identifiers: Orphanet 91387, MedGen C4707243, MONDO:0019625.
Hereditary cancer-predisposing syndrome. Also called: Neoplastic Syndromes, Hereditary; Tumor predisposition; Hereditary Cancer Syndrome; Hereditary neoplastic syndrome. Identifiers: Orphanet 140162, MedGen C0027672, MeSH D009386, MONDO:0015356.

Submission:

Ambry Genetics
Classification: Likely pathogenic for Hereditary cancer-predisposing syndrome; Familial thoracic aortic aneurysm and aortic dissection. Last evaluated: 2025-06-17. Review status: criteria provided, single submitter. Criteria: Ambry Variant Classification Scheme 2023. Collection method: clinical testing. Allele origin: germline.
Comment: The c.159_160insL1 likely pathogenic variant results from the insertion of a L1 element between nucleotides c.159 and c.160 in coding exon 1 of the SMAD4 gene. Mobile element insertions contribute to pathogenicity by either disrupting the coding sequence or inducing aberrant splicing (Belancio VP et al. Semin. Cancer Biol. 2010 Aug;20:200-10; Deininger P et al. Genome Biol. 2011 Dec;12:236; van der Klift HM Hum Mutat. 2012 Jul;33(7):1051-5). Based on the majority of available evidence to date, this variant is likely to be pathogenic.